The following is an entry in ClinVar:

ClinVar aggregate classification (germline): Likely pathogenic (1 of 4 stars; one submission).

Submission:

Dasa
Classification: Likely pathogenic. Last evaluated: 2025-03-10. Review status: criteria provided, single submitter. Criteria: DASA Assertion Criteria. Collection method: clinical testing. Allele origin: germline.
Comment: NM_015087.5(SPART):c.603_606del (p.Phe201Leufs*13) is a frameshift variant in SPART predicted to alter the reading frame and introduce a premature termination codon and is predicted to result in an absent or altered protein product. Loss of function is an established disease mechanism for SPART-associated disorders. Also, this variant is absent from population databases. Based on the currently available evidence, this variant is classified as likely pathogenic.

NM_015087.5(SPART):c.603_606del (p.Phe201fs)

Gene: SPART (spartin; minus strand). Cytogenetic location: 13q13.3.
Variant type: Deletion.
Coding change: c.603_606del on transcript NM_015087.5 (MANE Select); coding-DNA positions 603 to 606, 4 bases deleted (TTAT; older notation c.603_606delTTAT).
Protein change: p.Phe201fs; shifts the reading frame from phenylalanine 201.
Molecular consequence: frameshift variant.
Genome position (GRCh38, 1-based): chr13:36,335,225-36,335,228, ATAA deleted on the plus strand (TTAT on the coding strand, the reverse complement: SPART is on the minus strand); deleting any 4 consecutive bases within chr13:36,335,225-36,335,229 gives the same sequence; the c. name uses the placement nearest the transcript's 3' end. VCF-style (leftmost placement, unchanged base first): chr13-36335224-TATAA-T. GRCh37 (hg19) VCF-style: chr13-36909361-TATAA-T.
Other names: c.603_606del, p.Phe201fs (NM_001142294.2, NM_001142295.2, NM_001142296.2); short protein forms F201fs.
Identifiers: ClinVar variation 4880748 (VCV004880748.2).